The following is an entry in ClinVar:

ClinVar aggregate classification (germline): Benign. Review status: criteria provided, multiple submitters, no conflicts (2 of 4 stars). 10 submissions from 10 submitters: Benign (10). Last evaluated 2026-02-03.

Conditions:
Wilms tumor 1 (WT1). Also called: Wilms tumor, somatic. Identifiers: Orphanet 654, MedGen CN033288, MONDO:0008679, OMIM 194070.
Inborn genetic diseases. Identifiers: MedGen C0950123, MeSH D030342.
Hereditary cancer-predisposing syndrome. Also called: Tumor predisposition; Hereditary neoplastic syndrome; Hereditary Cancer Syndrome; Neoplastic Syndromes, Hereditary. Identifiers: Orphanet 140162, MedGen C0027672, MeSH D009386, MONDO:0015356.
Simpson-Golabi-Behmel syndrome type 1 (SGBS1). Also called: GPC3-Related Simpson-Golabi-Behmel Syndrome Type 1; BULLDOG SYNDROME; DYSPLASIA GIGANTISM SYNDROME, X-LINKED; GOLABI-ROSEN SYNDROME; SIMPSON DYSMORPHIA SYNDROME. Identifiers: Orphanet 373, MedGen C0796154, MONDO:0020602, OMIM 312870.

Allele frequency attached by ClinVar (database versions not stated): gnomAD exomes 0.00698 and 0.01921; ExAC 0.02373; gnomAD 0.06291 and 0.06746; 1000 Genomes Project 0.06543; 1000 Genomes Project 30x 0.06618; TOPMed 0.07115; ESP Exome Variant Server 0.08075.
gnomAD v4.1: 15,052 of 1,203,953 alleles (1.3%); highest among the groups gnomAD compares: African/African-American, 22%; 1,127 homozygotes.

Submissions (10):

Labcorp Genetics (formerly Invitae), Labcorp
Classification: Benign for Wilms tumor 1. Last evaluated: 2026-02-03. Review status: criteria provided, single submitter. Criteria: Invitae Variant Classification Sherloc (09022015). Collection method: clinical testing. Allele origin: germline.

Blueprint Genetics
Classification: Benign. Last evaluated: 2024-11-26. Review status: criteria provided, single submitter. Criteria: ACMG Guidelines, 2015. Collection method: clinical testing. Allele origin: germline.

KCCC/NGS Laboratory, Kuwait Cancer Control Center
Classification: Benign for Simpson-Golabi-Behmel syndrome type 1. Last evaluated: 2023-07-07. Review status: criteria provided, single submitter. Criteria: ACMG Guidelines, 2015. Collection method: clinical testing. Allele origin: germline. Affected: yes.

Mayo Clinic Laboratories, Mayo Clinic
Classification: Benign. Last evaluated: 2023-04-03. Review status: criteria provided, single submitter. Criteria: ACMG Guidelines, 2015. Collection method: clinical testing. Allele origin: germline. Observed: 39 variant alleles.

Sema4
Classification: Benign for Hereditary cancer-predisposing syndrome. Last evaluated: 2020-02-24. Review status: criteria provided, single submitter. Criteria: Sema4 Curation Guidelines. Collection method: curation. Allele origin: germline.

Women's Health and Genetics/Laboratory Corporation of America, LabCorp
Classification: Benign. Last evaluated: 2016-05-05. Review status: criteria provided, single submitter. Criteria: LabCorp Variant Classification Summary - May 2015. Collection method: clinical testing. Allele origin: germline.
Comment: Variant summary: The GPC3 variant, c.1500T>C (p.Asp500Asp) causes a synonymous change involving a non-conserved nucleotide with / in silico programs via Alamut predicting no significant effect on splicing, although these predictions have yet to be functionally assessed. The variant of interest was observed in the large, broad control population, ExAC, with an allele frequency of 2082/87736 (1/42, 182 homozygotes, 453 hemizygotes), which significantly exceeds the estimated maximum expected allele frequency for a pathogenic GPC3 variant of 1/10000000. The variant of interest, to our knowledge, has not been reported in affected individuals via publications and/or reputable databases/clinical laboratories. Therefore, taking all available lines of evidence into consideration, the variant of interest is classified as Benign.

Ambry Genetics
Classification: Benign for Inborn genetic diseases. Last evaluated: 2015-10-12. Review status: criteria provided, single submitter. Criteria: Ambry Variant Classification Scheme 2023. Collection method: clinical testing. Allele origin: germline.

GeneDx
Classification: Benign. Last evaluated: 2015-03-03. Review status: criteria provided, single submitter. Criteria: GeneDx Variant Classification Process June 2021. Collection method: clinical testing. Allele origin: germline. Affected: yes.

Breakthrough Genomics
Classification: Benign. Review status: criteria provided, single submitter. Criteria: ACMG Guidelines, 2015. Collection method: not provided. Allele origin: germline. Inheritance: X-linked inheritance. Affected: yes.

PreventionGenetics, part of Exact Sciences
Classification: Benign. Review status: criteria provided, single submitter. Criteria: ACMG Guidelines, 2015. Collection method: clinical testing. Allele origin: germline.

NM_004484.4(GPC3):c.1500T>C (p.Asp500=)

Gene: GPC3 (glypican 3; minus strand). Cytogenetic location: Xq26.2.
Variant type: single nucleotide variant.
Coding change: c.1500T>C on transcript NM_004484.4 (MANE Select); coding-DNA position 1500, T replaced by C.
Protein change: p.Asp500=; no amino-acid change (aspartic acid 500 retained).
Molecular consequence: synonymous variant.
Genome position (GRCh38, 1-based): chrX:133,596,513, A>G on the plus strand (T>C on the coding strand, the complement: GPC3 is on the minus strand). VCF-style: chrX-133596513-A-G. GRCh37 (hg19) VCF-style: chrX-132730541-A-G.
Other names: p.Asp500=; c.1569T>C (NM_001164617.1); c.1569T>C, p.Asp523= (NM_001164617.2); c.1452T>C, p.Asp484= (NM_001164618.2); c.1338T>C, p.Asp446= (NM_001164619.2).
Identifiers: ClinVar variation 259405 (VCV000259405.22), dbSNP rs2314298, ClinGen allele CA10520660.